The following is an entry in ClinVar:

NM_000051.4(ATM):c.7389A>T (p.Leu2463Phe)

Genes: ATM (ATM serine/threonine kinase; plus strand), C11orf65 (chromosome 11 open reading frame 65; minus strand). Cytogenetic location: 11q22.3.
Variant type: single nucleotide variant.
Coding change: c.7389A>T on transcript NM_000051.4 (MANE Select); coding-DNA position 7389, A replaced by T.
Protein change: p.Leu2463Phe; replaces leucine 2463 with phenylalanine.
Molecular consequence: missense variant. On other transcripts: intron variant (2).
Genome position (GRCh38, 1-based): chr11:108,330,295, A>T. VCF-style: chr11-108330295-A-T. GRCh37 (hg19) VCF-style: chr11-108201022-A-T.
Other names: c.7389A>T, p.Leu2463Phe (NM_001351834.2); c.641-21224T>A (NM_001330368.2); c.*38+4925T>A (NM_001351110.2); short protein forms L2463F.
Identifiers: ClinVar variation 2806632 (VCV002806632.3), dbSNP rs2136457026, ClinGen allele CA382560054.
Genomic context (GRCh38, chr11:108,330,295, plus strand): 5'-AGAGCTGGAGTTGGATGAATTAGCCCTGCGTGCACTGAAAGAGGATCGTAAACGCTTCTT[A>T]TGTAAAGCAGTTGAAAATTATATCAACTGCTTATTAAGTGGAGAAGAACATGATATGTGG-3'
Protein context (NP_000042.3, residues 2453-2473): RALKEDRKRF[Leu2463Phe]CKAVENYINC

ClinVar aggregate classification (germline): Uncertain significance (1 of 4 stars; one submission).

Conditions:
Ataxia-telangiectasia syndrome (AT). Also called: LOUIS-BAR SYNDROME; Cerebello-oculocutaneous telangiectasia; Immunodeficiency with ataxia telangiectasia; Ataxia telangiectasia (A-T); Ataxia-telangiectasia, complementation group D; AT, COMPLEMENTATION GROUP C. Identifiers: Orphanet 100, MedGen C0004135, MONDO:0008840, OMIM 208900.

Allele frequency attached by ClinVar (database versions not stated): gnomAD exomes below 0.00001.
gnomAD v4.1: 1 of 1,614,202 alleles (0.000062%); highest among the groups gnomAD compares: Non-Finnish European, 0.000085%; no homozygotes.

Submission:

Labcorp Genetics (formerly Invitae), Labcorp
Classification: Uncertain significance for Ataxia-telangiectasia syndrome. Last evaluated: 2023-09-01. Review status: criteria provided, single submitter. Criteria: Invitae Variant Classification Sherloc (09022015). Collection method: clinical testing. Allele origin: germline.
Comment: In summary, the available evidence is currently insufficient to determine the role of this variant in disease. Therefore, it has been classified as a Variant of Uncertain Significance. An algorithm developed to predict the effect of missense changes on protein structure and function (PolyPhen-2) suggests that this variant is likely to be disruptive. This variant has not been reported in the literature in individuals affected with ATM-related conditions. This variant is not present in population databases (gnomAD no frequency). This sequence change replaces leucine, which is neutral and non-polar, with phenylalanine, which is neutral and non-polar, at codon 2463 of the ATM protein (p.Leu2463Phe).